The following is an entry in ClinVar:

ClinVar aggregate classification (germline): Likely benign. Review status: criteria provided, multiple submitters, no conflicts (2 of 4 stars). 2 submissions from 2 submitters: Likely benign (2). Last evaluated 2024-12-01.

Allele frequency attached by ClinVar (database versions not stated): gnomAD 0.00001; TOPMed 0.00001.
gnomAD v4.1: 1 of 1,611,800 alleles (0.000062%); highest among the groups gnomAD compares: Non-Finnish European, 0.000085%; no homozygotes.

Submissions (2):

CeGaT Center for Human Genetics Tuebingen
Classification: Likely benign. Last evaluated: 2024-12-01. Review status: criteria provided, single submitter. Criteria: CeGaT Center For Human Genetics Tuebingen Variant Classification Criteria Version 2. Collection method: clinical testing. Allele origin: germline. Affected: yes. Observed: 2 variant alleles.
Comment: TERF2IP: BP4, BP7

Ambry Genetics
Classification: Likely benign. Last evaluated: 2020-11-11. Review status: criteria provided, single submitter. Criteria: Ambry Variant Classification Scheme 2023. Collection method: clinical testing. Allele origin: germline.

NM_018975.4(TERF2IP):c.141G>A (p.Leu47=)

Gene: TERF2IP (TERF2 interacting protein; plus strand). Cytogenetic location: 16q23.1.
Variant type: single nucleotide variant.
Coding change: c.141G>A on transcript NM_018975.4 (MANE Select); coding-DNA position 141, G replaced by A.
Protein change: p.Leu47=; no amino-acid change (leucine 47 retained).
Molecular consequence: synonymous variant. On other transcripts: non-coding transcript variant (1).
Genome position (GRCh38, 1-based): chr16:75,648,023, G>A. VCF-style: chr16-75648023-G-A. GRCh37 (hg19) VCF-style: chr16-75681921-G-A.
Identifiers: ClinVar variation 1772222 (VCV001772222.18), dbSNP rs1441518743, ClinGen allele CA496695912.
Genomic context (GRCh38, chr16:75,648,023, plus strand): 5'-CTCCATGTCCTTCTACGTGCGGCCCAGCCCGGCCAAGCGTCGGCTGTCGACGCTCATCCT[G>A]CACGGCGGCGGCACCGTGTGCCGAGTGCAGGAGCCCGGGGCCGTGCTGCTGGCCCAGCCC-3'
Protein context (NP_061848.2, residues 37-57): PAKRRLSTLI[Leu47=]HGGGTVCRVQ